The following is an entry in ClinVar:

ClinVar aggregate classification (germline): Likely benign. Review status: criteria provided, multiple submitters, no conflicts (2 of 4 stars). 2 submissions from 2 submitters: Likely benign (2). Last evaluated 2025-12-01.

Allele frequency attached by ClinVar (database versions not stated): gnomAD 0.00001; gnomAD exomes 0.00001; TOPMed 0.00001.

Submissions (2):

CeGaT Center for Human Genetics Tuebingen
Classification: Likely benign. Last evaluated: 2025-12-01. Review status: criteria provided, single submitter. Criteria: CeGaT Center For Human Genetics Tuebingen Variant Classification Criteria Version 2. Collection method: clinical testing. Allele origin: germline. Affected: yes. Observed: 1 variant allele.
Comment: FKBP10: BP4, BP7

Labcorp Genetics (formerly Invitae), Labcorp
Classification: Likely benign. Last evaluated: 2024-12-18. Review status: criteria provided, single submitter. Criteria: Invitae Variant Classification Sherloc (09022015). Collection method: clinical testing. Allele origin: germline.

NM_021939.4(FKBP10):c.528T>C (p.Phe176=)

Gene: FKBP10 (FKBP prolyl isomerase 10; plus strand). Cytogenetic location: 17q21.2.
Variant type: single nucleotide variant.
Coding change: c.528T>C on transcript NM_021939.4 (MANE Select); coding-DNA position 528, T replaced by C.
Protein change: p.Phe176=; no amino-acid change (phenylalanine 176 retained).
Molecular consequence: synonymous variant.
Genome position (GRCh38, 1-based): chr17:41,818,225, T>C. VCF-style: chr17-41818225-T-C. GRCh37 (hg19) VCF-style: chr17-39974477-T-C.
Identifiers: ClinVar variation 1966823 (VCV001966823.10), dbSNP rs1432361003, ClinGen allele CA500208661.